The following is an entry in ClinVar:

ClinVar aggregate classification (germline): Conflicting classifications of pathogenicity. Review status: criteria provided, conflicting classifications (1 of 4 stars). 4 submissions from 4 submitters: Uncertain significance (3); Likely benign (1). Last evaluated 2024-05-15.

Conditions:
Hereditary cancer-predisposing syndrome. Also called: Hereditary neoplastic syndrome; Neoplastic Syndromes, Hereditary; Tumor predisposition; Hereditary Cancer Syndrome. Identifiers: Orphanet 140162, MedGen C0027672, MeSH D009386, MONDO:0015356.
Nijmegen breakage syndrome-like disorder (NBSLD). Also called: MICROCEPHALY AND SPONTANEOUS CHROMOSOME INSTABILITY WITHOUT IMMUNODEFICIENCY; NBS-LIKE DISORDER; RAD50 DEFICIENCY. Identifiers: Orphanet 240760, MedGen C2751318, MONDO:0013118, OMIM 613078.

Allele frequency attached by ClinVar (database versions not stated): gnomAD exomes below 0.00001; TOPMed below 0.00001.
gnomAD v4.1: 3 of 1,583,530 alleles (0.00019%); highest among the groups gnomAD compares: East Asian, 0.0045%; no homozygotes.

Submissions (4):

Fulgent Genetics
Classification: Uncertain significance for Nijmegen breakage syndrome-like disorder. Last evaluated: 2024-05-15. Review status: criteria provided, single submitter. Criteria: ACMG Guidelines, 2015. Collection method: clinical testing. Allele origin: germline.

Labcorp Genetics (formerly Invitae), Labcorp
Classification: Uncertain significance for Hereditary cancer-predisposing syndrome. Last evaluated: 2024-05-14. Review status: criteria provided, single submitter. Criteria: Invitae Variant Classification Sherloc (09022015). Collection method: clinical testing. Allele origin: germline.
Comment: This sequence change replaces alanine, which is neutral and non-polar, with threonine, which is neutral and polar, at codon 419 of the RAD50 protein (p.Ala419Thr). This variant is present in population databases (rs786201357, gnomAD 0.003%). This variant has not been reported in the literature in individuals affected with RAD50-related conditions. ClinVar contains an entry for this variant (Variation ID: 184246). Advanced modeling of protein sequence and biophysical properties (such as structural, functional, and spatial information, amino acid conservation, physicochemical variation, residue mobility, and thermodynamic stability) performed at Invitae indicates that this missense variant is not expected to disrupt RAD50 protein function with a negative predictive value of 80%. In summary, the available evidence is currently insufficient to determine the role of this variant in disease. Therefore, it has been classified as a Variant of Uncertain Significance.

Ambry Genetics
Classification: Likely benign for Hereditary cancer-predisposing syndrome. Last evaluated: 2024-03-28. Review status: criteria provided, single submitter. Criteria: Ambry Variant Classification Scheme 2023. Collection method: clinical testing. Allele origin: germline.

Quest Diagnostics Nichols Institute San Juan Capistrano
Classification: Uncertain significance. Last evaluated: 2023-08-03. Review status: criteria provided, single submitter. Criteria: Quest Diagnostics criteria. Collection method: clinical testing. Allele origin: unknown.
Comment: This variant has not been reported in individuals with RAD50-related conditions in the published literature. The frequency of this variant in the general population, 0.0000042 (1/235552 chromosomes (Genome Aggregation Database)), is uninformative in the assessment of its pathogenicity. Analysis of this variant using bioinformatics tools for the prediction of the effect of amino acid changes on protein structure and function yielded predictions that this variant is benign. Based on the available information, we are unable to determine the clinical significance of this variant.

Literature cited by the submitters: PubMed 31138192 (cited by Quest Diagnostics Nichols Institute San Juan Capistrano).

NM_005732.4(RAD50):c.1255G>A (p.Ala419Thr)

Gene: RAD50 (RAD50 double strand break repair protein; plus strand). Cytogenetic location: 5q31.1.
Variant type: single nucleotide variant.
Coding change: c.1255G>A on transcript NM_005732.4 (MANE Select); coding-DNA position 1255, G replaced by A.
Protein change: p.Ala419Thr; replaces alanine 419 with threonine.
Molecular consequence: missense variant.
Genome position (GRCh38, 1-based): chr5:132,589,640, G>A. VCF-style: chr5-132589640-G-A. GRCh37 (hg19) VCF-style: chr5-131925332-G-A.
Other names: short protein forms A419T.
Identifiers: ClinVar variation 184246 (VCV000184246.15), dbSNP rs786201357, ClinGen allele CA188346.